The following is an entry in ClinVar:

NM_020975.6(RET):c.2370G>C (p.Leu790Phe)

Gene: RET (ret proto-oncogene; plus strand). Cytogenetic location: 10q11.21.
Variant type: single nucleotide variant.
Coding change: c.2370G>C on transcript NM_020975.6 (MANE Select); coding-DNA position 2370, G replaced by C.
Protein change: p.Leu790Phe; replaces leucine 790 with phenylalanine.
Molecular consequence: missense variant.
Genome position (GRCh38, 1-based): chr10:43,118,458, G>C. VCF-style: chr10-43118458-G-C. GRCh37 (hg19) VCF-style: chr10-43613906-G-C.
Other names: p.L790F:TTG>TTC; c.2370G>C, p.Leu790Phe (NM_001406759.1, NM_001406760.1, NM_000323.2 and 4 more transcripts); c.2241G>C, p.Leu747Phe (NM_001406761.1, NM_001406762.1, NM_001406764.1); c.2235G>C, p.Leu745Phe (NM_001406763.1, NM_001406765.1); c.2082G>C, p.Leu694Phe (NM_001406766.1, NM_001406767.1, NM_001406770.1); c.2106G>C, p.Leu702Phe (NM_001406768.1); c.1644G>C, p.Leu548Phe (NM_001406778.1, NM_001406775.1, NM_001406776.1 and 1 more transcripts); c.1473G>C, p.Leu491Phe (NM_001406779.1, NM_001406780.1, NM_001406781.1 and 1 more transcripts); and 11 more; short protein forms L790F, L536F, L307F, L355F, L395F, L448F, L615F, L745F.
Identifiers: ClinVar variation 13935 (VCV000013935.24), dbSNP rs75030001, ClinGen allele CA008702.

ClinVar aggregate classification (germline): Pathogenic/Likely pathogenic. Review status: criteria provided, multiple submitters, no conflicts (2 of 4 stars). 10 submissions from 9 submitters: Pathogenic (6); Likely pathogenic (1). 3 of the submissions do not count toward it. Last evaluated 2026-01-10.

Conditions:
Hereditary cancer-predisposing syndrome. Also called: Neoplastic Syndromes, Hereditary; Tumor predisposition; Hereditary neoplastic syndrome; Hereditary Cancer Syndrome. Identifiers: Orphanet 140162, MedGen C0027672, MeSH D009386, MONDO:0015356.
Multiple endocrine neoplasia, type 2 (MEN2). Identifiers: Orphanet 653, MedGen C4048306, MONDO:0019003. Disease mechanism: gain of function.
Familial medullary thyroid carcinoma (MTC). Also called: Thyroid cancer, familial medullary; MTC, familial; Familial Medullary Thyroid Carcinoma (FMTC). Identifiers: Orphanet 653, Orphanet 99361, MedGen C1833921, MONDO:0007958, OMIM 155240.
Multiple endocrine neoplasia type 2A. Also called: MULTIPLE ENDOCRINE NEOPLASIA, TYPE IIA; PTC SYNDROME; SIPPLE SYNDROME; MEN 2A; MEN-2A syndrome; Pheochromocytoma and amyloid producing medullary thyroid carcinoma. Identifiers: Orphanet 247698, Orphanet 653, MedGen C0025268, MeSH D018813, MONDO:0008234, OMIM 171400.

gnomAD v4.1: 8 of 1,613,962 alleles (0.0005%); highest among the groups gnomAD compares: African/African-American, 0.0013%; no homozygotes.

Submissions (10):

Labcorp Genetics (formerly Invitae), Labcorp
Classification: Pathogenic for Multiple endocrine neoplasia, type 2. Last evaluated: 2026-01-10. Review status: criteria provided, single submitter. Criteria: Invitae Variant Classification Sherloc (09022015). Collection method: clinical testing. Allele origin: germline.
Comment: This sequence change replaces leucine, which is neutral and non-polar, with phenylalanine, which is neutral and non-polar, at codon 790 of the RET protein (p.Leu790Phe). This variant is present in population databases (rs75030001, gnomAD 0.0009%). This missense change has been observed in individual(s) with medullary thyroid carcinoma (PMID: 9506724, 12409662, 12490841, 14561794, 16868135, 18062802, 20516206, 20833330, 21688339, 22965292, 23756355, 25767701). It has also been observed to segregate with disease in related individuals. ClinVar contains an entry for this variant (Variation ID: 13935). An algorithm developed to predict the effect of missense changes on protein structure and function (PolyPhen-2) suggests that this variant is likely to be disruptive. Experimental studies have shown that this missense change does not substantially affect RET function (PMID: 21810974). For these reasons, this variant has been classified as Pathogenic.

Ambry Genetics
Classification: Pathogenic for Hereditary cancer-predisposing syndrome. Last evaluated: 2024-04-30. Review status: criteria provided, single submitter. Criteria: Ambry Variant Classification Scheme 2023. Collection method: clinical testing. Allele origin: germline.
Comment: The p.L790F pathogenic mutation (also known as c.2370G>C), located in coding exon 13 of the RET gene, results from a G to C substitution at nucleotide position 2370. The leucine at codon 790 is replaced by phenylalanine, an amino acid with highly similar properties. This mutation has been identified in three brothers diagnosed with medullary thyroid cancer (MTC); three unaffected family members tested negative for this alteration and did not display any clinical or biochemical features of Multiple Endocrine Neoplasia type 2A (MEN2A) (Berndt I et al. J Clin Endocrinol Metab, 1998 Mar;83:770-4). This variant has also been identified in multiple unrelated individuals with a personal history of MTC (Machens A et al. Hum Mutat, 2018 06;39:860-869). Another variant at this position resulting in the same amino acid change (c.2370G>T) has been identified in individuals and families with MTC and/or pheochromocytoma (PCC) and is classified as a moderate risk mutation (Berndt I et al. J. Clin. Endocrinol. Metab. 1998 Mar;83:770-4; Min JW et al. J Korean Surg Soc. 2012 Mar;82:185-9; Bihan H et al. Head Neck. 2012 Apr;34:493-8; Qi XP et al. Thyroid. 2012 Dec;22:1257-65). In addition to the clinical data presented in the literature, this allele was reported in one heterozygous individual in population-based cohorts in the Genome Aggregation Database (gnomAD). This alteration is predicted to be deleterious by in silico analysis. The American Thyroid Association has designated alterations at this codon occurring without additional RET mutations as moderate risk mutations (Wells SA et al. Thyroid. 2015 Jun;25:567-610). Based on the supporting evidence, this variant is expected to be a pathogenic mutation with moderate risk of MEN2; however, its clinical significance for Hirschsprung disease is unclear.

GeneDx
Classification: Pathogenic. Last evaluated: 2023-11-21. Review status: criteria provided, single submitter. Criteria: GeneDx Variant Classification Process June 2021. Collection method: clinical testing. Allele origin: germline. Affected: yes.
Comment: Not observed at significant frequency in large population cohorts (gnomAD); In silico analysis supports that this missense variant has a deleterious effect on protein structure/function; Published functional studies demonstrate transforming activity similar to wildtype (PMID: 21810974); This variant is associated with the following publications: (PMID: 23756355, 21810974, 19469690, 22403753, 9167962, 14633923, 33167350, 20516206, 16314641, 28125078, 30355600, 9506724, 33827484, 17895320, 21054478, 29656518, 29590403, 28946813, 30624503, 12490841, 11238493, 25810047)

Myriad Genetics, Inc.
Classification: Pathogenic for Multiple endocrine neoplasia type 2A. Last evaluated: 2023-04-18. Review status: criteria provided, single submitter. Criteria: Myriad Autosomal Dominant, Autosomal Recessive and X-Linked Classification Criteria (2023). Collection method: clinical testing. Allele origin: unknown.
Comment: This variant is considered pathogenic. This variant has been reported in multiple individuals with clinical features of gene-specific disease [PMID: 28946813, 33827484, 33167350, 12490841, 12409662, 9506724, 25810047].

MGZ Medical Genetics Center
Classification: Likely pathogenic for Familial medullary thyroid carcinoma. Last evaluated: 2022-01-20. Review status: criteria provided, single submitter. Criteria: ACMG Guidelines, 2015. Collection method: clinical testing. Allele origin: germline. Affected: yes. Observed: 1 variant allele.
Comment: ACMG criteria applied: PS1, PS4_MOD, PM2_SUP, PP1, PP3

Genetics and Molecular Pathology, SA Pathology
Classification: Pathogenic for Familial medullary thyroid carcinoma. Last evaluated: 2021-10-15. Review status: criteria provided, single submitter. Criteria: ACMG Guidelines, 2015. Collection method: clinical testing. Allele origin: germline. Affected: yes.

Imagene.me medical diagnostic laboratory, IMAGENE.ME SA
Classification: Pathogenic for Multiple endocrine neoplasia type 2A. Review status: criteria provided, single submitter. Criteria: IMAGENE.ME Variant Classification SOP 2022. Collection method: clinical testing. Allele origin: germline.
Comment: Classified according to the IMAGENE.ME variant classification SOP based on the ACMG guidelines as Pathogenic (P).

Counsyl
Classification: Likely pathogenic for Multiple endocrine neoplasia type 2A. Last evaluated: 2017-12-26. Review status: no assertion criteria provided. Collection method: clinical testing. Allele origin: unknown. Not counted in ClinVar's aggregate classification.

OMIM
Classification: Pathogenic for MULTIPLE ENDOCRINE NEOPLASIA, TYPE IIA. Last evaluated: 1998-03-01. Review status: no assertion criteria provided. Collection method: literature only. Allele origin: germline. Not counted in ClinVar's aggregate classification.

OMIM
Classification: Pathogenic for THYROID CARCINOMA, FAMILIAL MEDULLARY. Last evaluated: 1998-03-01. Review status: no assertion criteria provided. Collection method: literature only. Allele origin: germline. Not counted in ClinVar's aggregate classification.

Literature cited by the submitters: PubMed 9506724 (cited by 5 submitters); PubMed 12409662 (cited by Labcorp Genetics (formerly Invitae), Labcorp and Myriad Genetics, Inc.); PubMed 12490841 (cited by 3 submitters); PubMed 14561794 (cited by Labcorp Genetics (formerly Invitae), Labcorp); PubMed 16868135 (cited by Labcorp Genetics (formerly Invitae), Labcorp); PubMed 18062802 (cited by Labcorp Genetics (formerly Invitae), Labcorp and Ambry Genetics); PubMed 20516206 (cited by Labcorp Genetics (formerly Invitae), Labcorp); PubMed 20833330 (cited by Labcorp Genetics (formerly Invitae), Labcorp); PubMed 21688339 (cited by Labcorp Genetics (formerly Invitae), Labcorp); PubMed 22965292 (cited by Labcorp Genetics (formerly Invitae), Labcorp); PubMed 23756355 (cited by 3 submitters); PubMed 25767701 (cited by Labcorp Genetics (formerly Invitae), Labcorp); PubMed 21810974 (cited by Labcorp Genetics (formerly Invitae), Labcorp and Counsyl); PubMed 16314641 (cited by Ambry Genetics); PubMed 29656518 (cited by Ambry Genetics); PubMed 28946813 (cited by Myriad Genetics, Inc.); PubMed 33827484 (cited by Myriad Genetics, Inc.); PubMed 33167350 (cited by Myriad Genetics, Inc.); PubMed 25810047 (cited by Myriad Genetics, Inc.).